The following is an entry in ClinVar:

NM_001903.5(CTNNA1):c.333C>T (p.Phe111=)

Gene: CTNNA1 (catenin alpha 1; plus strand). Cytogenetic location: 5q31.2.
Variant type: single nucleotide variant.
Coding change: c.333C>T on transcript NM_001903.5 (MANE Select); coding-DNA position 333, C replaced by T.
Protein change: p.Phe111=; no amino-acid change (phenylalanine 111 retained).
Molecular consequence: synonymous variant. On other transcripts: intron variant (1).
Genome position (GRCh38, 1-based): chr5:138,810,069, C>T. VCF-style: chr5-138810069-C-T. GRCh37 (hg19) VCF-style: chr5-138145758-C-T.
Other names: c.333C>T (NM_001903.4); c.333C>T, p.Phe111= (NM_001290307.3, NM_001323982.2, NM_001323983.1 and 3 more transcripts); c.24C>T, p.Phe8= (NM_001290309.3); c.-5-32C>T (NM_001290310.3).
Identifiers: ClinVar variation 701579 (VCV000701579.16), dbSNP rs775070610, ClinGen allele CA3431423.

ClinVar aggregate classification (germline): Benign/Likely benign. Review status: criteria provided, multiple submitters, no conflicts (2 of 4 stars). 4 submissions from 4 submitters: Benign (1); Likely benign (2). 1 of the submissions does not count toward it. Last evaluated 2026-01-15.

Conditions:
CTNNA1-related disorder. Also called: CTNNA1-related condition.
Hereditary cancer-predisposing syndrome. Also called: Tumor predisposition; Hereditary neoplastic syndrome; Hereditary Cancer Syndrome; Neoplastic Syndromes, Hereditary. Identifiers: Orphanet 140162, MedGen C0027672, MeSH D009386, MONDO:0015356.
Hereditary diffuse gastric adenocarcinoma (HDGC). Also called: DIFFUSE GASTRIC AND LOBULAR BREAST CANCER SYNDROME. Identifiers: Orphanet 26106, MedGen C1708349, MONDO:0007648, OMIM 137215.

Allele frequency attached by ClinVar (database versions not stated): gnomAD 0.00001; gnomAD exomes 0.00002 and 0.00003; TOPMed 0.00002; ExAC 0.00003.
gnomAD v4.1: 36 of 1,613,212 alleles (0.0022%); highest among the groups gnomAD compares: Admixed American, 0.0033%; no homozygotes.

Submissions (4):

Labcorp Genetics (formerly Invitae), Labcorp
Classification: Likely benign. Last evaluated: 2026-01-15. Review status: criteria provided, single submitter. Criteria: Invitae Variant Classification Sherloc (09022015). Collection method: clinical testing. Allele origin: germline.

Myriad Genetics, Inc.
Classification: Benign for Hereditary diffuse gastric adenocarcinoma. Last evaluated: 2024-10-09. Review status: criteria provided, single submitter. Criteria: Myriad Autosomal Dominant, Autosomal Recessive and X-Linked Classification Criteria (2023). Collection method: clinical testing. Allele origin: unknown.
Comment: This variant is considered benign. This variant is a silent/synonymous amino acid change and it is not expected to impact splicing.

Ambry Genetics
Classification: Likely benign for Hereditary cancer-predisposing syndrome. Last evaluated: 2019-09-29. Review status: criteria provided, single submitter. Criteria: Ambry Variant Classification Scheme 2023. Collection method: clinical testing. Allele origin: germline.

PreventionGenetics, part of Exact Sciences
Classification: Likely benign for CTNNA1-related condition. Last evaluated: 2023-04-27. Review status: no assertion criteria provided. Collection method: clinical testing. Allele origin: germline. Not counted in ClinVar's aggregate classification.
Comment: This variant is classified as likely benign based on ACMG/AMP sequence variant interpretation guidelines (Richards et al. 2015 PMID: 25741868, with internal and published modifications).